The following is an entry in ClinVar:

ClinVar aggregate classification (germline): Pathogenic (1 of 4 stars; one submission).

Submission:

Labcorp Genetics (formerly Invitae), Labcorp
Classification: Pathogenic. Last evaluated: 2023-12-12. Review status: criteria provided, single submitter. Criteria: Invitae Variant Classification Sherloc (09022015). Collection method: clinical testing. Allele origin: germline.
Comment: This sequence change creates a premature translational stop signal (p.Asn1671Lysfs*2) in the ABCA12 gene. It is expected to result in an absent or disrupted protein product. Loss-of-function variants in ABCA12 are known to be pathogenic (PMID: 20672373). The frequency data for this variant in the population databases is considered unreliable, as metrics indicate poor data quality at this position in the gnomAD database. This variant has not been reported in the literature in individuals affected with ABCA12-related conditions. For these reasons, this variant has been classified as Pathogenic.

Literature cited by the submitters: PubMed 20672373.

NM_173076.3(ABCA12):c.5012dup (p.Asn1671fs)

Gene: ABCA12 (ATP binding cassette subfamily A member 12; minus strand). Cytogenetic location: 2q35.
Variant type: Duplication.
Coding change: c.5012dup on transcript NM_173076.3 (MANE Select); coding-DNA position 5012, one base duplicated (A; older notation c.5012dupA).
Protein change: p.Asn1671fs; shifts the reading frame from asparagine 1671.
Molecular consequence: frameshift variant. On other transcripts: non-coding transcript variant (1).
Genome position (GRCh38, 1-based): chr2:214,978,432, T duplicated on the plus strand (A on the coding strand, the reverse complement: ABCA12 is on the minus strand); the first of 7 consecutive T bases (chr2:214,978,432-214,978,438); duplicating any one gives the same sequence. VCF-style (leftmost placement, unchanged base first): chr2-214978431-A-AT. GRCh37 (hg19) VCF-style: chr2-215843155-A-AT.
Other names: c.4058dup, p.Asn1353fs (NM_015657.4); short protein forms N1353fs, N1671fs.
Identifiers: ClinVar variation 2803236 (VCV002803236.3), dbSNP rs387906285, ClinGen allele CA539536376.